The following is an entry in ClinVar:

NM_000742.4(CHRNA2):c.73+236G>A

Gene: CHRNA2 (cholinergic receptor nicotinic alpha 2 subunit; minus strand). Cytogenetic location: 8p21.2.
Variant type: single nucleotide variant.
Coding change: c.73+236G>A on transcript NM_000742.4 (MANE Select); 236 bases into the intron after coding-DNA position 73, G replaced by A.
Molecular consequence: intron variant.
Genome position (GRCh38, 1-based): chr8:27,470,750, C>T on the plus strand (G>A on the coding strand, the complement: CHRNA2 is on the minus strand). VCF-style: chr8-27470750-C-T. GRCh37 (hg19) VCF-style: chr8-27328267-C-T.
Other names: c.-355+236G>A (NM_001347705.2); c.73+236G>A (NM_001282455.2); c.-389+236G>A (NM_001347708.2); c.-400+236G>A (NM_001347706.2); c.-341+236G>A (NM_001347707.2).
Identifiers: ClinVar variation 679892 (VCV000679892.1), dbSNP rs2565066, ClinGen allele CA12877547.

ClinVar aggregate classification (germline): Benign (1 of 4 stars; one submission).

Allele frequency attached by ClinVar (database versions not stated): gnomAD 0.15938 and 0.16249; TOPMed 0.16317; 1000 Genomes Project 30x 0.22330; 1000 Genomes Project 0.22444.
gnomAD v4.1: 24,596 of 152,168 alleles (16%); highest among the groups gnomAD compares: East Asian, 44%; 2,291 homozygotes.

Submission:

GeneDx
Classification: Benign. Last evaluated: 2018-06-18. Review status: criteria provided, single submitter. Criteria: GeneDx Variant Classification (06012015). Collection method: clinical testing. Allele origin: germline. Affected: yes.
Comment: This variant is considered likely benign or benign based on one or more of the following criteria: it is a conservative change, it occurs at a poorly conserved position in the protein, it is predicted to be benign by multiple in silico algorithms, and/or has population frequency not consistent with disease.